The following is an entry in ClinVar:

NM_181426.2(CCDC39):c.959G>A (p.Arg320Lys)

Gene: CCDC39 (coiled-coil domain 39 molecular ruler complex subunit; minus strand). Cytogenetic location: 3q26.33.
Variant type: single nucleotide variant.
Coding change: c.959G>A on transcript NM_181426.2 (MANE Select); coding-DNA position 959, G replaced by A.
Protein change: p.Arg320Lys; replaces arginine 320 with lysine.
Molecular consequence: missense variant.
Genome position (GRCh38, 1-based): chr3:180,652,238, C>T on the plus strand (G>A on the coding strand, the complement: CCDC39 is on the minus strand). VCF-style: chr3-180652238-C-T. GRCh37 (hg19) VCF-style: chr3-180370026-C-T.
Other names: short protein forms R320K.
Identifiers: ClinVar variation 5033796 (VCV005033796.1).

ClinVar aggregate classification (germline): Uncertain significance (1 of 4 stars; one submission).

Conditions:
Primary ciliary dyskinesia. Also called: Ciliary dyskinesia. Identifiers: Orphanet 244, MedGen C0008780, MONDO:0016575, HP:0012265.

gnomAD v4.1: 3 of 1,533,344 alleles (0.0002%); highest among the groups gnomAD compares: African/African-American, 0.0014%; no homozygotes.

Submission:

Ambry Genetics
Classification: Uncertain significance for Primary ciliary dyskinesia. Last evaluated: 2026-07-24. Review status: criteria provided, single submitter. Criteria: Ambry Variant Classification Scheme 2023. Collection method: clinical testing. Allele origin: germline.
Comment: The p.R320K variant (also known as c.959G>A), located in coding exon 8 of the CCDC39 gene, results from a G to A substitution at nucleotide position 959. The arginine at codon 320 is replaced by lysine, an amino acid with highly similar properties. This amino acid position is conserved. In addition, this alteration is predicted to be tolerated by in silico analysis. Based on the available evidence, the clinical significance of this variant remains unclear.